The following is an entry in ClinVar:

ClinVar aggregate classification (germline): Pathogenic/Likely pathogenic. Review status: criteria provided, multiple submitters, no conflicts (2 of 4 stars). 5 submissions from 5 submitters: Pathogenic (2); Likely pathogenic (3). Last evaluated 2026-02-25.

Conditions:
Renal tubulopathies.
SLC4A1-related disorder. Also called: SLC4A1-related condition; SLC4A1-related disorders.

Allele frequency attached by ClinVar (database versions not stated): gnomAD exomes below 0.00001; TOPMed below 0.00001.
gnomAD v4.1: 1 of 1,614,228 alleles (0.000062%); highest among the groups gnomAD compares: Non-Finnish European, 0.000085%; no homozygotes.

Submissions (5):

Genetics Laboratory, Great Ormond Street Hospital NHS Foundation Trust, North Thames Genomic Laboratory Hub
Classification: Likely pathogenic for Renal tubulopathies. Last evaluated: 2026-02-25. Review status: criteria provided, single submitter. Criteria: ACGS Best Practice Guidelines for Variant Classification in Rare Disease 2024 v1.2. Collection method: clinical testing. Allele origin: germline. Affected: yes.
Comment: PS4_moderate, PM2_moderate, PP3_supporting, PP4_supporting

PreventionGenetics, part of Exact Sciences
Classification: Pathogenic for SLC4A1-related condition. Last evaluated: 2024-12-10. Review status: criteria provided, single submitter. Criteria: ACMG Guidelines, 2015. Collection method: clinical testing. Allele origin: germline.
Comment: The SLC4A1 c.2510C>T variant is predicted to result in the amino acid substitution p.Thr837Met. This variant has previously been reported to be causative for autosomal dominant hereditary spherocytosis (Jarolim et al. 1996. PubMed ID: 8943874; Tole et al. 2020. PubMed ID: 32436265; Shi. 2023. PubMed ID: 37280519). In vitro studies expressing the p.Thr837Met variant in HEK293 cells showed impaired membrane trafficking (Quilty and Reithmeier. 2000. PubMed ID: 11208088). At PreventionGenetics, this variant has been detected in the heterozygous state in multiple individuals undergoing testing for hereditary spherocytosis (Internal Data). This variant has not been reported in a large population database (gnomAD), indicating this variant is rare. Based on the available evidence, this variant is interpreted as pathogenic.

Revvity Omics, Revvity
Classification: Pathogenic. Last evaluated: 2024-08-13. Review status: criteria provided, single submitter. Criteria: ACMG Guidelines, 2015. Collection method: clinical testing. Allele origin: germline.

Mayo Clinic Laboratories, Mayo Clinic
Classification: Likely pathogenic. Last evaluated: 2024-06-21. Review status: criteria provided, single submitter. Criteria: ACMG Guidelines, 2015. Collection method: clinical testing. Allele origin: germline.
Comment: PP1, PM2_moderate, PS3, PS4_moderate

CeGaT Center for Human Genetics Tuebingen
Classification: Likely pathogenic. Last evaluated: 2022-07-01. Review status: criteria provided, single submitter. Criteria: CeGaT Center For Human Genetics Tuebingen Variant Classification Criteria Version 2. Collection method: clinical testing. Allele origin: germline. Affected: yes. Observed: 1 variant allele.
Comment: SLC4A1: PM2, PM5, PS4:Moderate

Literature cited by the submitters: PubMed 11208088 (cited by Mayo Clinic Laboratories, Mayo Clinic); PubMed 32436265 (cited by Mayo Clinic Laboratories, Mayo Clinic); PubMed 37280519 (cited by Mayo Clinic Laboratories, Mayo Clinic); PubMed 8943874 (cited by Mayo Clinic Laboratories, Mayo Clinic); PubMed 9233560 (cited by Mayo Clinic Laboratories, Mayo Clinic).

NM_000342.4(SLC4A1):c.2510C>T (p.Thr837Met)

Gene: SLC4A1 (solute carrier family 4 member 1 (Diego blood group); minus strand). Cytogenetic location: 17q21.31.
Variant type: single nucleotide variant.
Coding change: c.2510C>T on transcript NM_000342.4 (MANE Select); coding-DNA position 2510, C replaced by T.
Protein change: p.Thr837Met; replaces threonine 837 with methionine.
Molecular consequence: missense variant.
Genome position (GRCh38, 1-based): chr17:44,251,304, G>A on the plus strand (C>T on the coding strand, the complement: SLC4A1 is on the minus strand). VCF-style: chr17-44251304-G-A. GRCh37 (hg19) VCF-style: chr17-42328672-G-A.
Other names: short protein forms T837M.
Identifiers: ClinVar variation 1163102 (VCV001163102.42), dbSNP rs2047337144, ClinGen allele CA399780137.